The following is an entry in ClinVar:

ClinVar aggregate classification (germline): Uncertain significance. Review status: criteria provided, multiple submitters, no conflicts (2 of 4 stars). 3 submissions from 3 submitters: Uncertain significance (3). Last evaluated 2023-10-20.

Submissions (3):

GeneDx
Classification: Uncertain significance. Last evaluated: 2023-10-20. Review status: criteria provided, single submitter. Criteria: GeneDx Variant Classification Process June 2021. Collection method: clinical testing. Allele origin: germline. Affected: yes.
Comment: In silico analysis supports that this variant does not alter protein structure/function; Has not been previously published as pathogenic or benign to our knowledge

Labcorp Genetics (formerly Invitae), Labcorp
Classification: Uncertain significance. Last evaluated: 2023-02-21. Review status: criteria provided, single submitter. Criteria: Invitae Variant Classification Sherloc (09022015). Collection method: clinical testing. Allele origin: germline.
Comment: This sequence change replaces glutamine, which is neutral and polar, with arginine, which is basic and polar, at codon 1253 of the NOTCH3 protein (p.Gln1253Arg). In summary, the available evidence is currently insufficient to determine the role of this variant in disease. Therefore, it has been classified as a Variant of Uncertain Significance. An algorithm developed to predict the effect of missense changes on protein structure and function (PolyPhen-2) suggests that this variant is likely to be tolerated. ClinVar contains an entry for this variant (Variation ID: 995323). This variant has not been reported in the literature in individuals affected with NOTCH3-related conditions. This variant is present in population databases (no rsID available, gnomAD 0.1%).

Athena Diagnostics
Classification: Uncertain significance. Last evaluated: 2020-03-10. Review status: criteria provided, single submitter. Criteria: Athena Diagnostics Criteria. Collection method: clinical testing. Allele origin: unknown.

NM_000435.3(NOTCH3):c.3757_3758delinsAG (p.Gln1253Arg)

Gene: NOTCH3 (notch receptor 3; minus strand). Cytogenetic location: 19p13.12.
Variant type: Indel.
Coding change: c.3757_3758delinsAG on transcript NM_000435.3 (MANE Select); coding-DNA positions 3757 to 3758, CA replaced by AG.
Protein change: p.Gln1253Arg; replaces glutamine 1253 with arginine.
Molecular consequence: missense variant.
Genome position (GRCh38, 1-based): chr19:15,178,902-15,178,903, TG replaced by CT on the plus strand (CA replaced by AG on the coding strand, the reverse complement: NOTCH3 is on the minus strand). VCF-style: chr19-15178902-TG-CT. GRCh37 (hg19) VCF-style: chr19-15289713-TG-CT.
Other names: short protein forms Q1253R.
Identifiers: ClinVar variation 995323 (VCV000995323.5), dbSNP rs2046814637, ClinGen allele CA1139666326.
Genomic context (GRCh38, chr19:15,178,902, plus strand): 5'-AAGGTCAGCCCACCCCCAGGACCCGGGCTAGGACGGCACTGGCCTCCATGCTGGCATGGC[TG>CT]GGACTCGCAGGGAGACAGGACAGTCTGACAGCGAGGACCTGAGCGAGCGGGAGCATGTAG-3'
Protein context (NP_000426.2, residues 1243-1263): CQTVLSPCES[Gln1253Arg]PCQHGGQCRP